The following is an entry in ClinVar:

ClinVar aggregate classification (germline): Uncertain significance (1 of 4 stars; one submission).

Conditions:
FG syndrome (FGS). Identifiers: MedGen C0220769, MONDO:0002010.

Submission:

Labcorp Genetics (formerly Invitae), Labcorp
Classification: Uncertain significance for FG syndrome. Last evaluated: 2024-05-01. Review status: criteria provided, single submitter. Criteria: Invitae Variant Classification Sherloc (09022015). Collection method: clinical testing. Allele origin: germline.
Comment: This sequence change replaces aspartic acid, which is acidic and polar, with glutamic acid, which is acidic and polar, at codon 803 of the MED12 protein (p.Asp803Glu). This variant is not present in population databases (gnomAD no frequency). This variant has not been reported in the literature in individuals affected with MED12-related conditions. Advanced modeling of protein sequence and biophysical properties (such as structural, functional, and spatial information, amino acid conservation, physicochemical variation, residue mobility, and thermodynamic stability) performed at Invitae indicates that this missense variant is not expected to disrupt MED12 protein function with a negative predictive value of 95%. In summary, the available evidence is currently insufficient to determine the role of this variant in disease. Therefore, it has been classified as a Variant of Uncertain Significance.

NM_005120.3(MED12):c.2409C>A (p.Asp803Glu)

Gene: MED12 (mediator complex subunit 12; plus strand). Cytogenetic location: Xq13.1.
Variant type: single nucleotide variant.
Coding change: c.2409C>A on transcript NM_005120.3 (MANE Select); coding-DNA position 2409, C replaced by A.
Protein change: p.Asp803Glu; replaces aspartic acid 803 with glutamic acid.
Molecular consequence: missense variant.
Genome position (GRCh38, 1-based): chrX:71,125,700, C>A. VCF-style: chrX-71125700-C-A. GRCh37 (hg19) VCF-style: chrX-70345550-C-A.
Other names: short protein forms D803E.
Identifiers: ClinVar variation 3634955 (VCV003634955.2).